The following is an entry in ClinVar:

NM_005572.4(LMNA):c.1714C>G (p.Arg572Gly)

Gene: LMNA (lamin A/C; plus strand). Cytogenetic location: 1q22.
Variant type: single nucleotide variant.
Coding change: c.1714C>G on transcript NM_005572.4 (MANE Plus Clinical); coding-DNA position 1714, C replaced by G.
Protein change: p.Arg572Gly; replaces arginine 572 with glycine.
Molecular consequence: missense variant. On other transcripts: intron variant (20).
Genome position (GRCh38, 1-based): chr1:156,137,759, C>G. VCF-style: chr1-156137759-C-G. GRCh37 (hg19) VCF-style: chr1-156107550-C-G.
Other names: c.1471C>G, p.Arg491Gly (NM_001282624.2); c.1714C>G, p.Arg572Gly (NM_001282625.2, NM_001406984.1, NM_001406992.1); c.1378C>G, p.Arg460Gly (NM_001406998.1); c.1156C>G, p.Arg386Gly (NM_001407002.1, NM_001407003.1); c.1698+16C>G (NM_001406983.1, NM_001406991.1, NM_170707.4 and 2 more transcripts); c.1140+16C>G (NM_001406993.1, NM_001406995.1, NM_001406990.1 and 2 more transcripts); c.1074+16C>G (NM_001406999.1, NM_001407000.1, NM_001406994.1 and 1 more transcripts); c.1455+16C>G (NM_001406986.1, NM_001406987.1); and 3 more; short protein forms R386G, R460G, R491G, R572G.
Identifiers: ClinVar variation 3628279 (VCV003628279.4).
Genomic context (GRCh38, chr1:156,137,759, plus strand): 5'-GACGACGAGGATGAGGATGGAGATGACCTGCTCCATCACCACCACGTGAGTGGTAGCCGC[C>G]GCTGAGGCCGAGCCTGCACTGGGGCCACCCAGCCAGGCCTGGGGGCAGCCTCTCCCCAGC-3'
Protein context (NP_005563.1, residues 562-572): LHHHHVSGSR[Arg572Gly]

ClinVar aggregate classification (germline): Conflicting classifications of pathogenicity. Review status: criteria provided, conflicting classifications (1 of 4 stars). 3 submissions from 3 submitters: Uncertain significance (2); Likely benign (1). Last evaluated 2025-08-05.

Conditions:
Charcot-Marie-Tooth disease type 2. Also called: Charcot-Marie-Tooth type 2. Identifiers: Orphanet 64746, MedGen C0270914, MONDO:0018993.

Submissions (3):

GeneDx
Classification: Uncertain significance. Last evaluated: 2025-08-05. Review status: criteria provided, single submitter. Criteria: GeneDx Variant Classification Process June 2021. Collection method: clinical testing. Allele origin: germline. Affected: yes.
Comment: Not observed at significant frequency in large population cohorts (gnomAD); In silico analysis suggests that this missense variant does not alter protein structure/function; Reported using an alternate transcript of the gene; Has not been previously published as pathogenic or benign to our knowledge; This variant is associated with the following publications: (PMID: 10939567)

Labcorp Genetics (formerly Invitae), Labcorp
Classification: Likely benign for Charcot-Marie-Tooth disease type 2. Last evaluated: 2024-05-05. Review status: criteria provided, single submitter. Criteria: Invitae Variant Classification Sherloc (09022015). Collection method: clinical testing. Allele origin: germline.

Revvity Omics, Revvity
Classification: Uncertain significance. Last evaluated: 2023-01-19. Review status: criteria provided, single submitter. Criteria: ACMG Guidelines, 2015. Collection method: clinical testing. Allele origin: germline.